The following is an entry in ClinVar:

ClinVar aggregate classification (germline): Uncertain significance (1 of 4 stars; one submission).

Conditions:
SLC27A5-related disorder. Also called: SLC27A5-related condition.

Submission:

PreventionGenetics, part of Exact Sciences
Classification: Uncertain significance for SLC27A5-related condition. Last evaluated: 2025-02-11. Review status: criteria provided, single submitter. Criteria: ACMG Guidelines, 2015. Collection method: clinical testing. Allele origin: germline.
Comment: The SLC27A5 c.389G>A variant is predicted to result in the amino acid substitution p.Arg130Lys. To our knowledge, this variant has not been reported in the literature or in a large population database (gnomAD), indicating this variant is rare. At this time, the clinical significance of this variant is uncertain due to the absence of conclusive functional and genetic evidence.

NM_012254.3(SLC27A5):c.389G>A (p.Arg130Lys)

Gene: SLC27A5 (solute carrier family 27 member 5; minus strand). Cytogenetic location: 19q13.43.
Variant type: single nucleotide variant.
Coding change: c.389G>A on transcript NM_012254.3 (MANE Select); coding-DNA position 389, G replaced by A.
Protein change: p.Arg130Lys; replaces arginine 130 with lysine.
Molecular consequence: missense variant.
Genome position (GRCh38, 1-based): chr19:58,511,567, C>T on the plus strand (G>A on the coding strand, the complement: SLC27A5 is on the minus strand). VCF-style: chr19-58511567-C-T. GRCh37 (hg19) VCF-style: chr19-59022934-C-T.
Other names: c.389G>A, p.Arg130Lys (NM_001321196.2); short protein forms R130K.
Identifiers: ClinVar variation 4982756 (VCV004982756.1).